The following is an entry in ClinVar:

ClinVar aggregate classification (germline): Uncertain significance (1 of 4 stars; one submission).

Conditions:
DPAGT1-congenital disorder of glycosylation. Also called: DPAGT1-CDG; CONGENITAL DISORDER OF GLYCOSYLATION, TYPE Ij; CDG Ij. Identifiers: Orphanet 86309, MedGen C2931004, MONDO:0011964, OMIM 608093.
Congenital myasthenic syndrome 13 (CMS13). Also called: Myasthenic syndrome, congenital, with tubular aggregates 2; Myasthenic syndrome, congenital, 13, with tubular aggregates. Identifiers: Orphanet 353327, Orphanet 590, MedGen C3553645, MONDO:0013883, OMIM 614750.

Allele frequency attached by ClinVar (database versions not stated): gnomAD 0.00001; gnomAD exomes 0.00001 and 0.00002; TOPMed 0.00001; ExAC 0.00003; 1000 Genomes Project 30x 0.00016; 1000 Genomes Project 0.00020.
gnomAD v4.1: 12 of 1,613,968 alleles (0.00074%); highest among the groups gnomAD compares: Admixed American, 0.0067%; no homozygotes.

Submission:

Labcorp Genetics (formerly Invitae), Labcorp
Classification: Uncertain significance for Congenital myasthenic syndrome 13; DPAGT1-congenital disorder of glycosylation. Last evaluated: 2022-07-22. Review status: criteria provided, single submitter. Criteria: Invitae Variant Classification Sherloc (09022015). Collection method: clinical testing. Allele origin: germline.
Comment: This sequence change falls in intron 6 of the DPAGT1 gene. It does not directly change the encoded amino acid sequence of the DPAGT1 protein. It affects a nucleotide within the consensus splice site. This variant is present in population databases (rs539220035, gnomAD 0.01%). This variant has not been reported in the literature in individuals affected with DPAGT1-related conditions. ClinVar contains an entry for this variant (Variation ID: 941441). Variants that disrupt the consensus splice site are a relatively common cause of aberrant splicing (PMID: 17576681, 9536098). Algorithms developed to predict the effect of sequence changes on RNA splicing suggest that this variant is not likely to affect RNA splicing. In summary, the available evidence is currently insufficient to determine the role of this variant in disease. Therefore, it has been classified as a Variant of Uncertain Significance.

Literature cited by the submitters: PubMed 17576681; PubMed 9536098.

NM_001382.4(DPAGT1):c.917+6C>T

Gene: DPAGT1 (dolichyl-phosphate N-acetylglucosaminephosphotransferase 1; minus strand). Cytogenetic location: 11q23.3.
Variant type: single nucleotide variant.
Coding change: c.917+6C>T on transcript NM_001382.4 (MANE Select); 6 bases into the intron after coding-DNA position 917, C replaced by T.
Molecular consequence: intron variant.
Genome position (GRCh38, 1-based): chr11:119,097,849, G>A on the plus strand (C>T on the coding strand, the complement: DPAGT1 is on the minus strand). VCF-style: chr11-119097849-G-A. GRCh37 (hg19) VCF-style: chr11-118968559-G-A.
Identifiers: ClinVar variation 941441 (VCV000941441.5), dbSNP rs539220035, ClinGen allele CA6314509.
Genomic context (GRCh38, chr11:119,097,849, plus strand): 5'-TAGGCTGGCATTAGATATCCCAAGTGAAAAGGCTATGATGTCCATTTCAAGCCAAAAAGC[G>A]GCTACCTGGGTATGCGGTGGCGAGGGCAGGGGATGATATGCAGGAGCTGAGGCAGTGAGT-3'